The following is an entry in ClinVar:

NM_000112.4(SLC26A2):c.712T>G (p.Phe238Val)

Gene: SLC26A2 (solute carrier family 26 member 2; plus strand). Cytogenetic location: 5q32.
Variant type: single nucleotide variant.
Coding change: c.712T>G on transcript NM_000112.4 (MANE Select); coding-DNA position 712, T replaced by G.
Protein change: p.Phe238Val; replaces phenylalanine 238 with valine.
Molecular consequence: missense variant.
Genome position (GRCh38, 1-based): chr5:149,980,305, T>G. VCF-style: chr5-149980305-T-G. GRCh37 (hg19) VCF-style: chr5-149359868-T-G.
Other names: c.712T>G (NM_000112.3); short protein forms F238V.
Identifiers: ClinVar variation 1015650 (VCV001015650.15), dbSNP rs746734591, ClinGen allele CA3505315.

ClinVar aggregate classification (germline): Uncertain significance. Review status: criteria provided, multiple submitters, no conflicts (2 of 4 stars). 4 submissions from 4 submitters: Uncertain significance (3). 1 of the submissions does not count toward it. Last evaluated 2025-04-04.

Conditions:
Inborn genetic diseases. Identifiers: MedGen C0950123, MeSH D030342.
Achondrogenesis, type IB (ACG1B). Also called: Achondrogenesis Type 1B. Identifiers: Orphanet 932, Orphanet 93298, MedGen C0265274, MONDO:0010966, OMIM 600972.
Diastrophic dysplasia (DTD). Also called: Diastrophic dwarfism. Identifiers: Orphanet 628, MedGen C0220726, MONDO:0009107, OMIM 222600.
Multiple epiphyseal dysplasia type 4 (EDM4). Also called: MULTIPLE EPIPHYSEAL DYSPLASIA WITH BILAYERED PATELLAE; MULTIPLE EPIPHYSEAL DYSPLASIA WITH CLUBFOOT; MULTIPLE EPIPHYSEAL DYSPLASIA, AUTOSOMAL RECESSIVE; SLC26A2-Related Multiple Epiphyseal Dysplasia; Multiple Epiphyseal Dysplasia, Recessive. Identifiers: Orphanet 93307, MedGen C1847593, MONDO:0009189, OMIM 226900.
Atelosteogenesis type II (AO2). Also called: Neonatal osseous dysplasia 1; NEONATAL OSSEOUS DYSPLASIA I; SLC26A2-Related Atelosteogenesis. Identifiers: Orphanet 56304, MedGen C1850554, MONDO:0009727, OMIM 256050.

Allele frequency attached by ClinVar (database versions not stated): ExAC 0.00001; gnomAD 0.00001 and 0.00002; gnomAD exomes 0.00001 and 0.00002; TOPMed 0.00003.
gnomAD v4.1: 20 of 1,613,918 alleles (0.0012%); highest among the groups gnomAD compares: Admixed American, 0.018%; no homozygotes.

Submissions (4):

Ambry Genetics
Classification: Uncertain significance for Inborn genetic diseases. Last evaluated: 2025-04-04. Review status: criteria provided, single submitter. Criteria: Ambry Variant Classification Scheme 2023. Collection method: clinical testing. Allele origin: germline.

Labcorp Genetics (formerly Invitae), Labcorp
Classification: Uncertain significance for Atelosteogenesis type II; Multiple epiphyseal dysplasia type 4; Achondrogenesis, type IB; Diastrophic dysplasia. Last evaluated: 2022-06-27. Review status: criteria provided, single submitter. Criteria: Invitae Variant Classification Sherloc (09022015). Collection method: clinical testing. Allele origin: germline.
Comment: This sequence change replaces phenylalanine, which is neutral and non-polar, with valine, which is neutral and non-polar, at codon 238 of the SLC26A2 protein (p.Phe238Val). This variant is present in population databases (rs746734591, gnomAD 0.01%). This variant has not been reported in the literature in individuals affected with SLC26A2-related conditions. ClinVar contains an entry for this variant (Variation ID: 1015650). Advanced modeling of protein sequence and biophysical properties (such as structural, functional, and spatial information, amino acid conservation, physicochemical variation, residue mobility, and thermodynamic stability) performed at Invitae indicates that this missense variant is not expected to disrupt SLC26A2 protein function. In summary, the available evidence is currently insufficient to determine the role of this variant in disease. Therefore, it has been classified as a Variant of Uncertain Significance.

ARUP Laboratories, Molecular Genetics and Genomics, ARUP Laboratories
Classification: Uncertain significance. Last evaluated: 2021-07-16. Review status: criteria provided, single submitter. Criteria: ARUP Molecular Germline Variant Investigation Process 2021. Collection method: clinical testing. Allele origin: germline.
Comment: The SLC26A2 c.712T>G; p.Phe238Val variant (rs746734591), to our knowledge, is not reported in the medical literature or gene specific databases. This variant is reported in ClinVar (Variation ID: 1015650) and is only observed on five alleles in the Genome Aggregation Database, indicating it is not a common polymorphism. The phenylalanine at codon 238 is moderately conserved, and computational analyses are uncertain whether this variant is neutral or deleterious (REVEL: 0.288). Due to limited information, the clinical significance of this variant is uncertain at this time.

Natera, Inc.
Classification: Uncertain significance for Achondrogenesis type IB. Last evaluated: 2020-05-14. Review status: no assertion criteria provided. Collection method: clinical testing. Allele origin: germline. Not counted in ClinVar's aggregate classification.